The following is an entry in ClinVar:

NM_181712.5(KANK4):c.1835C>T (p.Ser612Leu)

Gene: KANK4 (KN motif and ankyrin repeat domains 4; minus strand). Cytogenetic location: 1p31.3.
Variant type: single nucleotide variant.
Coding change: c.1835C>T on transcript NM_181712.5 (MANE Select); coding-DNA position 1835, C replaced by T.
Protein change: p.Ser612Leu; replaces serine 612 with leucine.
Molecular consequence: missense variant. On other transcripts: intron variant (1).
Genome position (GRCh38, 1-based): chr1:62,273,269, G>A on the plus strand (C>T on the coding strand, the complement: KANK4 is on the minus strand). VCF-style: chr1-62273269-G-A. GRCh37 (hg19) VCF-style: chr1-62738941-G-A.
Other names: c.17-1680C>T (NM_001320269.2); short protein forms S612L.
Identifiers: ClinVar variation 4041051 (VCV004041051.2).

ClinVar aggregate classification (germline): Uncertain significance. Review status: criteria provided, multiple submitters, no conflicts (2 of 4 stars). 2 submissions from 2 submitters: Uncertain significance (2). Last evaluated 2025-06-03.

gnomAD v4.1: 16 of 1,561,472 alleles (0.001%); highest among the groups gnomAD compares: Admixed American, 0.017%; no homozygotes.

Submissions (2):

Ambry Genetics
Classification: Uncertain significance. Last evaluated: 2025-06-03. Review status: criteria provided, single submitter. Criteria: Ambry Variant Classification Scheme 2023. Collection method: clinical testing. Allele origin: germline.

Labcorp Genetics (formerly Invitae), Labcorp
Classification: Uncertain significance. Last evaluated: 2025-03-05. Review status: criteria provided, single submitter. Criteria: Invitae Variant Classification Sherloc (09022015). Collection method: clinical testing. Allele origin: germline.
Comment: This sequence change replaces serine, which is neutral and polar, with leucine, which is neutral and non-polar, at codon 612 of the KANK4 protein (p.Ser612Leu). This variant is present in population databases (rs200228736, gnomAD 0.03%). This variant has not been reported in the literature in individuals affected with KANK4-related conditions. An algorithm developed to predict the effect of missense changes on protein structure and function (PolyPhen-2) suggests that this variant is likely to be disruptive. In summary, the available evidence is currently insufficient to determine the role of this variant in disease. Therefore, it has been classified as a Variant of Uncertain Significance.